The following is an entry in ClinVar:

NM_152424.4(AMER1):c.893T>A (p.Val298Glu)

Gene: AMER1 (APC membrane recruitment protein 1; minus strand). Cytogenetic location: Xq11.2.
Variant type: single nucleotide variant.
Coding change: c.893T>A on transcript NM_152424.4 (MANE Select); coding-DNA position 893, T replaced by A.
Protein change: p.Val298Glu; replaces valine 298 with glutamic acid.
Molecular consequence: missense variant.
Genome position (GRCh38, 1-based): chrX:64,192,394, A>T on the plus strand (T>A on the coding strand, the complement: AMER1 is on the minus strand). VCF-style: chrX-64192394-A-T. GRCh37 (hg19) VCF-style: chrX-63412274-A-T.
Other names: short protein forms V298E.
Identifiers: ClinVar variation 3060533 (VCV003060533.2), dbSNP rs2147089513, ClinGen allele CA413309072.

ClinVar aggregate classification (germline): Uncertain significance (0 of 4 stars; one submission).

Conditions:
AMER1-related disorder. Also called: AMER1-related condition.

Allele frequency attached by ClinVar (database versions not stated): gnomAD exomes below 0.00001.
gnomAD v4.1: 1 of 1,211,592 alleles (0.000083%); highest among the groups gnomAD compares: South Asian, 0.0018%; no homozygotes.

Submission:

PreventionGenetics, part of Exact Sciences
Classification: Uncertain significance for AMER1-related condition. Last evaluated: 2023-11-15. Review status: no assertion criteria provided. Collection method: clinical testing. Allele origin: germline.
Comment: The AMER1 c.893T>A variant is predicted to result in the amino acid substitution p.Val298Glu. To our knowledge, this variant has not been reported in the literature or in a large population database, indicating this variant is rare. At this time, the clinical significance of this variant is uncertain due to the absence of conclusive functional and genetic evidence.